The following is an entry in ClinVar:

NM_001387430.1(SH2B1):c.1771C>T (p.His591Tyr)

Gene: SH2B1 (SH2B adaptor protein 1; plus strand). Cytogenetic location: 16p11.2.
Variant type: single nucleotide variant.
Coding change: c.1771C>T on transcript NM_001387430.1 (MANE Select); coding-DNA position 1771, C replaced by T.
Protein change: p.His591Tyr; replaces histidine 591 with tyrosine.
Molecular consequence: missense variant.
Genome position (GRCh38, 1-based): chr16:28,872,579, C>T. VCF-style: chr16-28872579-C-T. GRCh37 (hg19) VCF-style: chr16-28883900-C-T.
Other names: c.1771C>T, p.His591Tyr (NM_001145795.2, NM_001145796.2, NM_001145797.2 and 4 more transcripts); c.763C>T, p.His255Tyr (NM_001308294.2); short protein forms H591Y, H255Y.
Identifiers: ClinVar variation 4982432 (VCV004982432.1).

ClinVar aggregate classification (germline): Uncertain significance (1 of 4 stars; one submission).

Conditions:
SH2B1-related disorder. Also called: SH2B1-related condition.

gnomAD v4.1: 7 of 1,614,182 alleles (0.00043%); highest among the groups gnomAD compares: Non-Finnish European, 0.00059%; no homozygotes.

Submission:

PreventionGenetics, part of Exact Sciences
Classification: Uncertain significance for SH2B1-related condition. Last evaluated: 2026-09-04. Review status: criteria provided, single submitter. Criteria: ACMG Guidelines, 2015. Collection method: clinical testing. Allele origin: germline.
Comment: The SH2B1 c.1771C>T variant is predicted to result in the amino acid substitution p.His591Tyr. To our knowledge, this variant has not been reported in the literature or in a large population database (gnomAD), indicating this variant is rare. At this time, the clinical significance of this variant is uncertain due to the absence of conclusive functional and genetic evidence.